The following is an entry in ClinVar:

NM_006922.4(SCN3A):c.5947A>C (p.Lys1983Gln)

Gene: SCN3A (sodium voltage-gated channel alpha subunit 3; minus strand). Cytogenetic location: 2q24.3.
Variant type: single nucleotide variant.
Coding change: c.5947A>C on transcript NM_006922.4 (MANE Select); coding-DNA position 5947, A replaced by C.
Protein change: p.Lys1983Gln; replaces lysine 1983 with glutamine.
Molecular consequence: missense variant.
Genome position (GRCh38, 1-based): chr2:165,090,206, T>G on the plus strand (A>C on the coding strand, the complement: SCN3A is on the minus strand). VCF-style: chr2-165090206-T-G. GRCh37 (hg19) VCF-style: chr2-165946716-T-G.
Other names: c.5800A>C, p.Lys1934Gln (NM_001081676.2, NM_001081677.2); short protein forms K1934Q, K1983Q.
Identifiers: ClinVar variation 1339140 (VCV001339140.6), dbSNP rs774354894, ClinGen allele CA1938330.

ClinVar aggregate classification (germline): Uncertain significance. Review status: criteria provided, multiple submitters, no conflicts (2 of 4 stars). 3 submissions from 2 submitters: Uncertain significance (3). Last evaluated 2026-01-02.

Conditions:
Developmental and epileptic encephalopathy, 62. Also called: Early infantile epileptic encephalopathy 62. Identifiers: MedGen C4693699, MONDO:0033371, OMIM 617938.
Epilepsy, familial focal, with variable foci 1 (FFEVF1). Also called: DEPDC5-Related Epilepsy. Identifiers: MedGen C4551983, MONDO:0024556, OMIM 604364.

Allele frequency attached by ClinVar (database versions not stated): ExAC 0.00003.
gnomAD v4.1: 21 of 1,605,616 alleles (0.0013%); highest among the groups gnomAD compares: South Asian, 0.023%; 1 homozygote.

Submissions (3):

Labcorp Genetics (formerly Invitae), Labcorp
Classification: Uncertain significance. Last evaluated: 2026-01-02. Review status: criteria provided, single submitter. Criteria: Invitae Variant Classification Sherloc (09022015). Collection method: clinical testing. Allele origin: germline.
Comment: This sequence change replaces lysine, which is basic and polar, with glutamine, which is neutral and polar, at codon 1983 of the SCN3A protein (p.Lys1983Gln). This variant is present in population databases (rs774354894, gnomAD 0.01%). This missense change has been observed in individual(s) with SCN3A-related conditions (PMID: 36801247). ClinVar contains an entry for this variant (Variation ID: 1339140). Invitae Evidence Modeling of protein sequence and biophysical properties (such as structural, functional, and spatial information, amino acid conservation, physicochemical variation, residue mobility, and thermodynamic stability) indicates that this missense variant is not expected to disrupt SCN3A protein function with a negative predictive value of 95%. In summary, the available evidence is currently insufficient to determine the role of this variant in disease. Therefore, it has been classified as a Variant of Uncertain Significance.

Neuberg Centre For Genomic Medicine, NCGM
Classification: Uncertain significance for Developmental and epileptic encephalopathy, 62. Review status: criteria provided, single submitter. Criteria: ACMG Guidelines, 2015. Collection method: clinical testing. Allele origin: germline. Affected: yes.
Comment: The missense variant p.K1983Q in SCN3A (NM_006922.4) has not been reported previously as a pathogenic variant nor as a benign variant, to our knowledge. The variant is observed in 4/29,646 (0.0135%) alleles from individuals of South Asian background in gnomAD Exomes. There is a small physicochemical difference between lysine and glutamine, which is not likely to impact secondary protein structure as these residues share similar properties. Insilico tools predict a damaging effect (SIFT). For these reasons, this variant has been classified as Uncertain Significance.

Neuberg Centre For Genomic Medicine, NCGM
Classification: Uncertain significance for Epilepsy, familial focal, with variable foci 1. Review status: criteria provided, single submitter. Criteria: ACMG Guidelines, 2015. Collection method: clinical testing. Allele origin: germline. Inheritance: Autosomal dominant inheritance. Affected: yes.
Comment: The c.5947A>C (p.Lys1983Gln) missense variant in SCN3A gene has not been reported previously as a pathogenic variant nor as a benign variant, to our knowledge. This variant is reported with the allele frequency (0.001%) in the gnomAD and novel in 1000 genome database. The amino acid Lys at position 1983 is changed to a Gln changing protein sequence and it might alter its composition and physico-chemical properties. In silico tools predict the variant to be tolerated. The residue is conserved across species. The amino acid change p.Lys1983Gln in SCN3A is predicted as conserved by GERP++ and PhyloP across 100 vertebrates. For these reasons, this variant has been classified as Variant of Uncertain Significance (VUS).

Literature cited by the submitters: PubMed 36801247 (cited by Labcorp Genetics (formerly Invitae), Labcorp).